The following is an entry in ClinVar:

NM_022124.6(CDH23):c.4261A>T (p.Thr1421Ser)

Gene: CDH23 (cadherin related 23; plus strand). Cytogenetic location: 10q22.1.
Variant type: single nucleotide variant.
Coding change: c.4261A>T on transcript NM_022124.6 (MANE Select); coding-DNA position 4261, A replaced by T.
Protein change: p.Thr1421Ser; replaces threonine 1421 with serine.
Molecular consequence: missense variant.
Genome position (GRCh38, 1-based): chr10:71,738,549, A>T. VCF-style: chr10-71738549-A-T. GRCh37 (hg19) VCF-style: chr10-73498306-A-T.
Other names: short protein forms T1421S.
Identifiers: ClinVar variation 2103670 (VCV002103670.4), dbSNP rs1589387837, ClinGen allele CA377159177.

ClinVar aggregate classification (germline): Uncertain significance (1 of 4 stars; one submission).

gnomAD v4.1: 1 of 1,613,816 alleles (0.000062%); highest among the groups gnomAD compares: Non-Finnish European, 0.000085%; no homozygotes.

Submission:

Labcorp Genetics (formerly Invitae), Labcorp
Classification: Uncertain significance. Last evaluated: 2024-09-10. Review status: criteria provided, single submitter. Criteria: Invitae Variant Classification Sherloc (09022015). Collection method: clinical testing. Allele origin: germline.
Comment: This sequence change replaces threonine, which is neutral and polar, with serine, which is neutral and polar, at codon 1421 of the CDH23 protein (p.Thr1421Ser). This variant is not present in population databases (gnomAD no frequency). This variant has not been reported in the literature in individuals affected with CDH23-related conditions. ClinVar contains an entry for this variant (Variation ID: 2103670). Invitae Evidence Modeling of protein sequence and biophysical properties (such as structural, functional, and spatial information, amino acid conservation, physicochemical variation, residue mobility, and thermodynamic stability) indicates that this missense variant is not expected to disrupt CDH23 protein function with a negative predictive value of 95%. In summary, the available evidence is currently insufficient to determine the role of this variant in disease. Therefore, it has been classified as a Variant of Uncertain Significance.